The following is an entry in ClinVar:

NM_003672.4(CDC14A):c.781C>T (p.Arg261Ter)

Gene: CDC14A (cell division cycle 14A; plus strand). Cytogenetic location: 1p21.2.
Variant type: single nucleotide variant.
Coding change: c.781C>T on transcript NM_003672.4 (MANE Select); coding-DNA position 781, C replaced by T.
Protein change: p.Arg261Ter; replaces arginine 261 with a stop codon.
Molecular consequence: nonsense. On other transcripts: 5 prime UTR variant (1).
Genome position (GRCh38, 1-based): chr1:100,462,824, C>T. VCF-style: chr1-100462824-C-T. GRCh37 (hg19) VCF-style: chr1-100928380-C-T.
Other names: c.781C>T, p.Arg261Ter (NM_001319210.2, NM_033312.3, NM_033313.3); c.607C>T, p.Arg203Ter (NM_001319211.2); c.-99C>T (NM_001319212.2); short protein forms R203*, R261*.
Identifiers: ClinVar variation 2507228 (VCV002507228.3), dbSNP rs770995792, ClinGen allele CA970684.

ClinVar aggregate classification (germline): Pathogenic. Review status: criteria provided, multiple submitters, no conflicts (2 of 4 stars). 2 submissions from 2 submitters: Pathogenic (2). Last evaluated 2024-07-03.

Allele frequency attached by ClinVar (database versions not stated): gnomAD exomes below 0.00001; ExAC 0.00001; gnomAD 0.00001; TOPMed 0.00001.

Submissions (2):

Labcorp Genetics (formerly Invitae), Labcorp
Classification: Pathogenic. Last evaluated: 2024-07-03. Review status: criteria provided, single submitter. Criteria: Invitae Variant Classification Sherloc (09022015). Collection method: clinical testing. Allele origin: germline.
Comment: This sequence change creates a premature translational stop signal (p.Arg261*) in the CDC14A gene. It is expected to result in an absent or disrupted protein product. Loss-of-function variants in CDC14A are known to be pathogenic (PMID: 27259055). This variant is present in population databases (rs770995792, gnomAD 0.0008%). This variant has not been reported in the literature in individuals affected with CDC14A-related conditions. ClinVar contains an entry for this variant (Variation ID: 2507228). For these reasons, this variant has been classified as Pathogenic.

GeneDx
Classification: Pathogenic. Last evaluated: 2023-06-26. Review status: criteria provided, single submitter. Criteria: GeneDx Variant Classification Process June 2021. Collection method: clinical testing. Allele origin: germline. Affected: yes.
Comment: Nonsense variant predicted to result in protein truncation or nonsense mediated decay in a gene for which loss-of-function is a known mechanism of disease; Not observed at significant frequency in large population cohorts (gnomAD); Has not been previously published as pathogenic or benign to our knowledge

Literature cited by the submitters: PubMed 27259055 (cited by Labcorp Genetics (formerly Invitae), Labcorp).